The following is an entry in ClinVar:

GRCh38/hg38 1q43-44(chr1:242240797-245200164)x1

Genes: ADSS2 (adenylosuccinate synthase 2; minus strand), AKT3 (AKT serine/threonine kinase 3; minus strand), AKT3-IT1 (AKT3 intronic transcript 1; minus strand), C1orf202 (chromosome 1 open reading frame 202; minus strand), CATSPERE (catsper channel auxiliary subunit epsilon; plus strand) and 67 more. Cytogenetic location: 1q43-44.
Variant type: copy number loss.
Change: copy number 1 (one copy instead of two) of chr1:242,240,797-245,200,164 (2.96 Mb, GRCh38 coordinates, 1-based), cytogenetic band 1q43-44.
Identifiers: ClinVar variation 60156 (VCV000060156.1).

ClinVar aggregate classification (germline): Pathogenic (1 of 4 stars; one submission).

Submission:

ISCA site 15
Classification: Pathogenic. Last evaluated: 2011-08-12. Review status: criteria provided, single submitter. Criteria: Kaminsky et al. (Genet Med. 2011). Collection method: clinical testing. Allele origin: de novo. Affected: yes. Observed: 1 variant allele.
Comment: Copy number variation identified through the course of routine clinical cytogenomic testing in postnatal populations. Clinical assertions have been curated as described in Kaminsky et al. 2011.